The following is an entry in ClinVar:

ClinVar aggregate classification (germline): Uncertain significance (1 of 4 stars; one submission).

Allele frequency attached by ClinVar (database versions not stated): gnomAD exomes below 0.00001; gnomAD 0.00001.
gnomAD v4.1: 4 of 1,598,302 alleles (0.00025%); highest among the groups gnomAD compares: Non-Finnish European, 0.00025%; no homozygotes.

Submission:

Labcorp Genetics (formerly Invitae), Labcorp
Classification: Uncertain significance. Last evaluated: 2023-08-07. Review status: criteria provided, single submitter. Criteria: Invitae Variant Classification Sherloc (09022015). Collection method: clinical testing. Allele origin: germline.
Comment: In summary, the available evidence is currently insufficient to determine the role of this variant in disease. Therefore, it has been classified as a Variant of Uncertain Significance. Advanced modeling of protein sequence and biophysical properties (such as structural, functional, and spatial information, amino acid conservation, physicochemical variation, residue mobility, and thermodynamic stability) performed at Invitae indicates that this missense variant is not expected to disrupt SZT2 protein function. ClinVar contains an entry for this variant (Variation ID: 641133). This missense change has been observed in individual(s) with clinical features of developmental and epileptic encephalopathy (Invitae). In at least one individual the data is consistent with being in trans (on the opposite chromosome) from a pathogenic variant. This variant is not present in population databases (gnomAD no frequency). This sequence change replaces histidine, which is basic and polar, with proline, which is neutral and non-polar, at codon 306 of the SZT2 protein (p.His306Pro).

NM_001365999.1(SZT2):c.917A>C (p.His306Pro)

Gene: SZT2 (SZT2 subunit of KICSTOR complex; plus strand). Cytogenetic location: 1p34.2.
Variant type: single nucleotide variant.
Coding change: c.917A>C on transcript NM_001365999.1 (MANE Select); coding-DNA position 917, A replaced by C.
Protein change: p.His306Pro; replaces histidine 306 with proline.
Molecular consequence: missense variant.
Genome position (GRCh38, 1-based): chr1:43,419,771, A>C. VCF-style: chr1-43419771-A-C. GRCh37 (hg19) VCF-style: chr1-43885442-A-C.
Other names: c.917A>C, p.His306Pro (NM_015284.4); short protein forms H306P.
Identifiers: ClinVar variation 641133 (VCV000641133.7), dbSNP rs1570618294, ClinGen allele CA340005866.